The following is an entry in ClinVar:

ClinVar aggregate classification (germline): Uncertain significance (1 of 4 stars; one submission).

Allele frequency attached by ClinVar (database versions not stated): TOPMed 0.00010; gnomAD 0.00030 and 0.00031.
gnomAD v4.1: 45 of 152,072 alleles (0.03%); highest among the groups gnomAD compares: Non-Finnish European, 0.051%; no homozygotes.

Submission:

Women's Health and Genetics/Laboratory Corporation of America, LabCorp
Classification: Uncertain significance. Last evaluated: 2017-07-11. Review status: criteria provided, single submitter. Criteria: LabCorp Variant Classification Summary - May 2015. Collection method: clinical testing. Allele origin: germline.
Comment: Variant summary: The PCCA c.300+3930C>T variant involves the alteration of a non-conserved intronic nucleotide. One in silico tool predicts a benign outcome for this variant. 5/5 splice prediction tools predict no significant impact on normal splicing and ESE finder predicts no effect on ESE sites at the locus. However, these predictions have yet to be confirmed by functional studies. The variant is not found in the large control database ExAC, but the exome capture technology used to generate ExAC does not cover deep intronic variants such as the variant of interest. However, the large control database gnomAD, which includes whole genome sequence data, has identified this variant at a frequency of 0.0011313 (35/30938 control chromosomes; 1 homozygote) in all ethnicities, but was predominantly observed in the European (Non-Finnish) subpopulation at a frequency of 0.002136 (32/14978 chromosomes; 1 homozygote), neither of which exceeds the estimated maximal expected allele frequency of a pathogenic PCCA variant (0.003446). The variant of interest has not, to our knowledge, been reported in affected individuals via publications and/or reputable databases/clinical diagnostic laboratories; nor evaluated for functional impact by in vivo/vitro studies. Taken together, this variant is classified as VUS-possibly benign until additional information becomes available.

NM_000282.4(PCCA):c.300+3930C>T

Gene: PCCA (propionyl-CoA carboxylase subunit alpha; plus strand). Cytogenetic location: 13q32.3.
Variant type: single nucleotide variant.
Coding change: c.300+3930C>T on transcript NM_000282.4 (MANE Select); 3930 bases into the intron after coding-DNA position 300, C replaced by T.
Molecular consequence: intron variant.
Genome position (GRCh38, 1-based): chr13:100,115,991, C>T. VCF-style: chr13-100115991-C-T. GRCh37 (hg19) VCF-style: chr13-100768245-C-T.
Other names: c.300+3930C>T (NM_001178004.2, NM_001352605.2, NM_001352606.2 and 1 more transcripts); c.-567+3930C>T (NM_001352610.2, NM_001352611.2, NM_001352612.2); c.222+3930C>T (NM_001127692.3, NM_001352607.2, NM_001352608.2).
Identifiers: ClinVar variation 495791 (VCV000495791.1), dbSNP rs767934206, ClinGen allele CA255966360.
Genomic context (GRCh38, chr13:100,115,991, plus strand): 5'-TTTAGGTCAATTTCTAGAAAGATACTATAAGTAAAAGCAGGATAATGATGGTGGGAATGT[C>T]AAAAGTTTCATTTAAACCTCAACAGTAGGGTCAAATCTGCTATGTGGTTTCTGTTTCAGT-3'